The following is an entry in ClinVar:

ClinVar aggregate classification (germline): Uncertain significance (1 of 4 stars; one submission).

Allele frequency attached by ClinVar (database versions not stated): gnomAD exomes below 0.00001.
gnomAD v4.1: 1 of 1,594,712 alleles (0.000063%); highest among the groups gnomAD compares: South Asian, 0.0011%; no homozygotes.

Submission:

GeneDx
Classification: Uncertain significance. Last evaluated: 2025-11-07. Review status: criteria provided, single submitter. Criteria: GeneDx Variant Classification Process June 2021. Collection method: clinical testing. Allele origin: germline. Affected: yes.
Comment: Not observed at significant frequency in large population cohorts (gnomAD); In silico analysis suggests that this missense variant does not alter protein structure/function; Has not been previously published as pathogenic or benign to our knowledge

NM_014844.5(TECPR2):c.3628C>G (p.Leu1210Val)

Gene: TECPR2 (tectonin beta-propeller repeat containing 2; plus strand). Cytogenetic location: 14q32.31.
Variant type: single nucleotide variant.
Coding change: c.3628C>G on transcript NM_014844.5 (MANE Select); coding-DNA position 3628, C replaced by G.
Protein change: p.Leu1210Val; replaces leucine 1210 with valine.
Molecular consequence: missense variant.
Genome position (GRCh38, 1-based): chr14:102,452,615, C>G. VCF-style: chr14-102452615-C-G. GRCh37 (hg19) VCF-style: chr14-102918952-C-G.
Other names: c.3628C>G, p.Leu1210Val (NM_001172631.3); short protein forms L1210V.
Identifiers: ClinVar variation 2505767 (VCV002505767.2), dbSNP rs1184752230, ClinGen allele CA391069076.